The following is an entry in ClinVar:

NM_152703.5(SAMD9L):c.1912C>T (p.Arg638Cys)

Gene: SAMD9L (sterile alpha motif domain containing 9 like; minus strand). Cytogenetic location: 7q21.2.
Variant type: single nucleotide variant.
Coding change: c.1912C>T on transcript NM_152703.5 (MANE Select); coding-DNA position 1912, C replaced by T.
Protein change: p.Arg638Cys; replaces arginine 638 with cysteine.
Molecular consequence: missense variant.
Genome position (GRCh38, 1-based): chr7:93,134,060, G>A on the plus strand (C>T on the coding strand, the complement: SAMD9L is on the minus strand). VCF-style: chr7-93134060-G-A. GRCh37 (hg19) VCF-style: chr7-92763373-G-A.
Other names: c.1912C>T, p.Arg638Cys (NM_001303496.3, NM_001303497.3, NM_001303498.3 and 5 more transcripts); short protein forms R638C.
Identifiers: ClinVar variation 3792450 (VCV003792450.1).

ClinVar aggregate classification (germline): Uncertain significance (1 of 4 stars; one submission).

Conditions:
Inborn genetic diseases. Identifiers: MedGen C0950123, MeSH D030342.

Submission:

Ambry Genetics
Classification: Uncertain significance for Inborn genetic diseases. Last evaluated: 2025-02-24. Review status: criteria provided, single submitter. Criteria: Ambry Variant Classification Scheme 2023. Collection method: clinical testing. Allele origin: germline.
Comment: The p.R638C variant (also known as c.1912C>T), located in coding exon 1 of the SAMD9L gene, results from a C to T substitution at nucleotide position 1912. The arginine at codon 638 is replaced by cysteine, an amino acid with highly dissimilar properties. This amino acid position is conserved. In addition, this alteration is predicted to be tolerated by in silico analysis. Based on the available evidence, the clinical significance of this variant remains unclear.